The following is an entry in ClinVar:

NM_001363118.2(SLC52A2):c.135G>T (p.Trp45Cys)

Gene: SLC52A2 (solute carrier family 52 member 2; plus strand). Cytogenetic location: 8q24.3.
Variant type: single nucleotide variant.
Coding change: c.135G>T on transcript NM_001363118.2 (MANE Select); coding-DNA position 135, G replaced by T.
Protein change: p.Trp45Cys; replaces tryptophan 45 with cysteine.
Molecular consequence: missense variant. On other transcripts: non-coding transcript variant (1), intron variant (1).
Genome position (GRCh38, 1-based): chr8:144,359,627, G>T. VCF-style: chr8-144359627-G-T. GRCh37 (hg19) VCF-style: chr8-145583287-G-T.
Other names: c.135G>T, p.Trp45Cys (NM_001253815.2, NM_001253816.2, NM_001363120.2 and 2 more transcripts); c.130+204G>T (NM_001363122.2); short protein forms W45C.
Identifiers: ClinVar variation 422163 (VCV000422163.2), dbSNP rs1064795599, ClinGen allele CA16618612.

ClinVar aggregate classification (germline): Likely pathogenic (1 of 4 stars; one submission).

Submission:

GeneDx
Classification: Likely pathogenic. Last evaluated: 2016-09-13. Review status: criteria provided, single submitter. Criteria: GeneDx Variant Classification (06012015). Collection method: clinical testing. Allele origin: germline. Affected: yes.
Comment: The W45C variant in the SLC52A2 gene has not been reported previously as a pathogenic variant, nor as a benign variant, to our knowledge. The W45C variant was not observed in approximately 6500 individuals of European and African American ancestry in the NHLBI Exome Sequencing Project, indicating it is not a common benign variant in these populations. The W45C variant is a non-conservative amino acid substitution, which is likely to impact secondary protein structure as these residues differ in polarity, charge, size and/or other properties. This substitution occurs at a position that is conserved across species, and in silico analysis predicts this variant is probably damaging to the protein structure/function. The W45C variant is a strong candidate for a pathogenic variant, however the possibility it may be a rare benign variant cannot be excluded.